The following is an entry in ClinVar:

NM_000214.3(JAG1):c.3007_3010dup (p.Pro1004fs)

Gene: JAG1 (jagged canonical Notch ligand 1; minus strand). Cytogenetic location: 20p12.2.
Variant type: Duplication.
Coding change: c.3007_3010dup on transcript NM_000214.3 (MANE Select); coding-DNA positions 3007 to 3010, 4 bases duplicated (GAGC; older notation c.3007_3010dupGAGC).
Protein change: p.Pro1004fs; shifts the reading frame from proline 1004.
Molecular consequence: frameshift variant.
Genome position (GRCh38, 1-based): chr20:10,641,151-10,641,154, GCTC duplicated on the plus strand (GAGC on the coding strand, the reverse complement: JAG1 is on the minus strand); duplicating any 4 consecutive bases within chr20:10,641,151-10,641,156 gives the same sequence; the c. name uses the placement nearest the transcript's 3' end. VCF-style (leftmost placement, unchanged base first): chr20-10641150-G-GGCTC. GRCh37 (hg19) VCF-style: chr20-10621798-G-GGCTC.
Other names: short protein forms P1004fs.
Identifiers: ClinVar variation 3344583 (VCV003344583.1).

ClinVar aggregate classification (germline): Likely pathogenic (0 of 4 stars; one submission).

Conditions:
JAG1-related disorder. Also called: JAG1-related disorders; JAG1-related condition.

Submission:

PreventionGenetics, part of Exact Sciences
Classification: Likely pathogenic for JAG1-related condition. Last evaluated: 2024-07-08. Review status: no assertion criteria provided. Collection method: clinical testing. Allele origin: germline.
Comment: The JAG1 c.3007_3010dupGAGC variant is predicted to result in a frameshift and premature protein termination (p.Pro1004Argfs*9). To our knowledge, this variant has not been reported in the literature or in a large population database, indicating this variant is rare. Frameshift variants in JAG1 are expected to be pathogenic. This variant is interpreted as likely pathogenic.